The following is an entry in ClinVar:

NM_003640.5(ELP1):c.958+1G>A

Gene: ELP1 (elongator acetyltransferase complex subunit 1; minus strand). Cytogenetic location: 9q31.3.
Variant type: single nucleotide variant.
Coding change: c.958+1G>A on transcript NM_003640.5 (MANE Select); the canonical splice donor site of the intron after coding-DNA position 958, G replaced by A.
Molecular consequence: splice donor variant.
Genome position (GRCh38, 1-based): chr9:108,916,203, C>T on the plus strand (G>A on the coding strand, the complement: ELP1 is on the minus strand). VCF-style: chr9-108916203-C-T. GRCh37 (hg19) VCF-style: chr9-111678483-C-T.
Other names: c.616+1G>A (NM_001318360.2); c.-90+1G>A (NM_001330749.2).
Identifiers: ClinVar variation 2864982 (VCV002864982.3), dbSNP rs1392125158, ClinGen allele CA374385029.

ClinVar aggregate classification (germline): Likely pathogenic (1 of 4 stars; one submission).

gnomAD v4.1: 2 of 1,612,624 alleles (0.00012%); highest among the groups gnomAD compares: Non-Finnish European, 0.00017%; no homozygotes.

Submission:

Labcorp Genetics (formerly Invitae), Labcorp
Classification: Likely pathogenic. Last evaluated: 2023-06-14. Review status: criteria provided, single submitter. Criteria: Invitae Variant Classification Sherloc (09022015). Collection method: clinical testing. Allele origin: germline.
Comment: This sequence change affects a donor splice site in intron 10 of the ELP1 gene. It is expected to disrupt RNA splicing. Variants that disrupt the donor or acceptor splice site typically lead to a loss of protein function (PMID: 16199547), and loss-of-function variants in ELP1 are known to be pathogenic (PMID: 18303054, 24173031). This variant is present in population databases (no rsID available, gnomAD 0.0009%). This variant has not been reported in the literature in individuals affected with ELP1-related conditions. Algorithms developed to predict the effect of sequence changes on RNA splicing suggest that this variant may disrupt the consensus splice site. In summary, the currently available evidence indicates that the variant is pathogenic, but additional data are needed to prove that conclusively. Therefore, this variant has been classified as Likely Pathogenic.

Literature cited by the submitters: PubMed 16199547; PubMed 18303054; PubMed 24173031.